The following is an entry in ClinVar:

ClinVar aggregate classification (germline): Uncertain significance (1 of 4 stars; one submission).

Conditions:
Distal myopathy with posterior leg and anterior hand involvement. Also called: WILLIAMS DISTAL MYOPATHY. Identifiers: Orphanet 63273, MedGen C3279722, MONDO:0013550, OMIM 614065.
Myofibrillar myopathy 5. Also called: Filaminopathy (type); FILAMINOPATHY, AUTOSOMAL DOMINANT. Identifiers: Orphanet 171445, MedGen C1836050, MONDO:0012289, OMIM 609524.
Hypertrophic cardiomyopathy 26. Also called: Cardiomyopathy, familial hypertrophic, 26. Identifiers: Orphanet 75249, MedGen C4310749, MONDO:0014883, OMIM 617047.

Submission:

Labcorp Genetics (formerly Invitae), Labcorp
Classification: Uncertain significance for Distal myopathy with posterior leg and anterior hand involvement; Myofibrillar myopathy 5; Hypertrophic cardiomyopathy 26. Last evaluated: 2017-10-03. Review status: criteria provided, single submitter. Criteria: Invitae Variant Classification Sherloc (09022015). Collection method: clinical testing. Allele origin: germline.
Comment: This variant is not present in population databases (ExAC no frequency). Algorithms developed to predict the effect of sequence changes on RNA splicing suggest that this variant may create or strengthen a splice site, but this prediction has not been confirmed by published transcriptional studies. This variant has not been reported in the literature in individuals with FLNC-related disease. Algorithms developed to predict the effect of missense changes on protein structure and function (SIFT, PolyPhen-2, Align-GVGD) all suggest that this variant is likely to be tolerated, but these predictions have not been confirmed by published functional studies and their clinical significance is uncertain. This sequence change replaces phenylalanine with leucine at codon 533 of the FLNC protein (p.Phe533Leu). The phenylalanine residue is moderately conserved and there is a small physicochemical difference between phenylalanine and leucine. In summary, the available evidence is currently insufficient to determine the role of this variant in disease. Therefore, it has been classified as a Variant of Uncertain Significance.

NM_001458.5(FLNC):c.1599C>A (p.Phe533Leu)

Gene: FLNC (filamin C; plus strand). Cytogenetic location: 7q32.1.
Variant type: single nucleotide variant.
Coding change: c.1599C>A on transcript NM_001458.5 (MANE Select); coding-DNA position 1599, C replaced by A.
Protein change: p.Phe533Leu; replaces phenylalanine 533 with leucine.
Molecular consequence: missense variant.
Genome position (GRCh38, 1-based): chr7:128,840,597, C>A. VCF-style: chr7-128840597-C-A. GRCh37 (hg19) VCF-style: chr7-128480651-C-A.
Other names: c.1599C>A, p.Phe533Leu (NM_001127487.2); short protein forms F533L.
Identifiers: ClinVar variation 539353 (VCV000539353.9), dbSNP rs768072902, ClinGen allele CA369226578.